The following is an entry in ClinVar:

ClinVar aggregate classification (germline): Benign/Likely benign. Review status: criteria provided, multiple submitters, no conflicts (2 of 4 stars). 14 submissions from 13 submitters: Benign (4); Likely benign (10). Last evaluated 2025-12-24.

Conditions:
Fibromuscular dysplasia, multifocal. Identifiers: MedGen C5543412, MONDO:0859151, OMIM 619329.
Ehlers-Danlos syndrome, classic type, 1 (EDSCL1). Also called: EHLERS-DANLOS SYNDROME, GRAVIS TYPE; EHLERS-DANLOS SYNDROME, SEVERE CLASSIC TYPE; Ehlers-Danlos syndrome, type 1; Ehlers-Danlos Syndrome, Classic Type, COL5A1-Related; EDS I. Identifiers: MedGen C0268335, MONDO:0019567, OMIM 130000.
Familial thoracic aortic aneurysm and aortic dissection (TAAD). Also called: Thoracic aortic aneurysms and dissections. Identifiers: Orphanet 91387, MedGen C4707243, MONDO:0019625.
Ehlers-Danlos syndrome, classic type (cEDS). Identifiers: Orphanet 287, MedGen C4225429, MONDO:0007522.

Allele frequency attached by ClinVar (database versions not stated): gnomAD 0.00019 and 0.00021; TOPMed 0.00023; gnomAD exomes 0.00027 and 0.00045; ExAC 0.00029; ESP Exome Variant Server 0.00031.
gnomAD v4.1: 673 of 1,612,536 alleles (0.042%); highest among the groups gnomAD compares: Non-Finnish European, 0.053%; no homozygotes.

Submissions (14):

Labcorp Genetics (formerly Invitae), Labcorp
Classification: Likely benign for Ehlers-Danlos syndrome, classic type, 1. Last evaluated: 2025-12-24. Review status: criteria provided, single submitter. Criteria: Invitae Variant Classification Sherloc (09022015). Collection method: clinical testing. Allele origin: germline.

Molecular Diagnostic Laboratory for Inherited Cardiovascular Disease, Montreal Heart Institute
Classification: Likely benign. Last evaluated: 2025-07-24. Review status: criteria provided, single submitter. Criteria: ACMG Guidelines, 2015. Collection method: clinical testing. Allele origin: germline. Affected: no.
Comment: BS1;BP7

CeGaT Center for Human Genetics Tuebingen
Classification: Likely benign. Last evaluated: 2025-05-01. Review status: criteria provided, single submitter. Criteria: CeGaT Center For Human Genetics Tuebingen Variant Classification Criteria Version 2. Collection method: clinical testing. Allele origin: germline. Affected: yes. Observed: 2 variant alleles.
Comment: COL5A1: BP4, BP7

Mayo Clinic Laboratories, Mayo Clinic
Classification: Likely benign. Last evaluated: 2025-03-10. Review status: criteria provided, single submitter. Criteria: ACMG Guidelines, 2015. Collection method: clinical testing. Allele origin: germline. Observed: 8 variant alleles.
Comment: BS1, BP4, BP7

Blueprint Genetics
Classification: Likely benign. Last evaluated: 2024-09-08. Review status: criteria provided, single submitter. Criteria: ACMG Guidelines, 2015. Collection method: clinical testing. Allele origin: germline.

Women's Health and Genetics/Laboratory Corporation of America, LabCorp
Classification: Benign. Last evaluated: 2023-12-17. Review status: criteria provided, single submitter. Criteria: LabCorp Variant Classification Summary - May 2015. Collection method: clinical testing. Allele origin: germline.

ARUP Laboratories, Molecular Genetics and Genomics, ARUP Laboratories
Classification: Likely benign. Last evaluated: 2023-04-03. Review status: criteria provided, single submitter. Criteria: ARUP Molecular Germline Variant Investigation Process 2024. Collection method: clinical testing. Allele origin: germline.

Fulgent Genetics
Classification: Likely benign for Ehlers-Danlos syndrome, classic type, 1; Fibromuscular dysplasia, multifocal. Last evaluated: 2022-05-12. Review status: criteria provided, single submitter. Criteria: ACMG Guidelines, 2015. Collection method: clinical testing. Allele origin: unknown.

Genome-Nilou Lab
Classification: Benign for Ehlers-Danlos syndrome, classic type, 1. Last evaluated: 2022-03-15. Review status: criteria provided, single submitter. Criteria: ACMG Guidelines, 2015. Collection method: clinical testing. Allele origin: germline. Affected: no.

Genome-Nilou Lab
Classification: Benign for Fibromuscular dysplasia, multifocal. Last evaluated: 2022-03-15. Review status: criteria provided, single submitter. Criteria: ACMG Guidelines, 2015. Collection method: clinical testing. Allele origin: germline. Affected: no.

Ambry Genetics
Classification: Likely benign for Familial thoracic aortic aneurysm and aortic dissection. Last evaluated: 2019-05-02. Review status: criteria provided, single submitter. Criteria: Ambry Variant Classification Scheme 2023. Collection method: clinical testing. Allele origin: germline.

Illumina Laboratory Services, Illumina
Classification: Likely benign for Ehlers-Danlos syndrome, classic type, 1. Last evaluated: 2018-01-13. Review status: criteria provided, single submitter. Criteria: ICSL Variant Classification Criteria 13 December 2019. Collection method: clinical testing. Allele origin: germline.
Comment: This variant was observed in the ICSL laboratory as part of a predisposition screen in an ostensibly healthy population. It had not been previously curated by ICSL or reported in the Human Gene Mutation Database (HGMD: prior to June 1st, 2018), and was therefore a candidate for classification through an automated scoring system. Utilizing variant allele frequency, disease prevalence and penetrance estimates, and inheritance mode, an automated score was calculated to assess if this variant is too frequent to cause the disease. Based on the score and internal cut-off values, a variant classified as likely benign is not then subjected to further curation. The score for this variant resulted in a classification of likely benign for this disease.

GeneDx
Classification: Benign. Last evaluated: 2016-01-18. Review status: criteria provided, single submitter. Criteria: GeneDx Variant Classification (06012015). Collection method: clinical testing. Allele origin: germline. Affected: yes.
Comment: This variant is considered likely benign or benign based on one or more of the following criteria: it is a conservative change, it occurs at a poorly conserved position in the protein, it is predicted to be benign by multiple in silico algorithms, and/or has population frequency not consistent with disease.

PreventionGenetics, part of Exact Sciences
Classification: Likely benign. Review status: criteria provided, single submitter. Criteria: ACMG Guidelines, 2015. Collection method: clinical testing. Allele origin: germline.

NM_000093.5(COL5A1):c.1440C>T (p.Pro480=)

Gene: COL5A1 (collagen type V alpha 1 chain; plus strand). Cytogenetic location: 9q34.3.
Variant type: single nucleotide variant.
Coding change: c.1440C>T on transcript NM_000093.5 (MANE Select); coding-DNA position 1440, C replaced by T.
Protein change: p.Pro480=; no amino-acid change (proline 480 retained).
Molecular consequence: synonymous variant.
Genome position (GRCh38, 1-based): chr9:134,738,754, C>T. VCF-style: chr9-134738754-C-T. GRCh37 (hg19) VCF-style: chr9-137630600-C-T.
Other names: p.Pro480=; c.1440C>T, p.Pro480= (NM_001278074.1).
Identifiers: ClinVar variation 255051 (VCV000255051.61), dbSNP rs150940930, ClinGen allele CA5318813.